The following is an entry in ClinVar:

NM_152383.5(DIS3L2):c.2491C>T (p.Gln831Ter)

Gene: DIS3L2 (DIS3 like 3'-5' exoribonuclease 2; plus strand). Cytogenetic location: 2q37.1.
Variant type: single nucleotide variant.
Coding change: c.2491C>T on transcript NM_152383.5 (MANE Select); coding-DNA position 2491, C replaced by T.
Protein change: p.Gln831Ter; replaces glutamine 831 with a stop codon.
Molecular consequence: nonsense. On other transcripts: non-coding transcript variant (2), intron variant (1).
Genome position (GRCh38, 1-based): chr2:232,335,869, C>T. VCF-style: chr2-232335869-C-T. GRCh37 (hg19) VCF-style: chr2-233200579-C-T.
Other names: c.1582-7476C>T (NM_001257281.2); short protein forms Q831*.
Identifiers: ClinVar variation 1427554 (VCV001427554.6), dbSNP rs2106356428, ClinGen allele CA350978348.
Genomic context (GRCh38, chr2:232,335,869, plus strand): 5'-GGCAAGAAGCCGGAACTCACGCTGGTCTGGGAGCCTGAGGACATGGAGCAGGAGCCAGCA[C>T]AGCAGGTCAGAACCCCTCTGTGTCCCAGCCCCCTAAGTCCTGATGACCCCTCTCCTGCCT-3'

ClinVar aggregate classification (germline): Uncertain significance (1 of 4 stars; one submission).

Conditions:
Perlman syndrome (PRLMNS). Identifiers: Orphanet 2849, MedGen C0796113, MONDO:0009965, OMIM 267000.

Submission:

Labcorp Genetics (formerly Invitae), Labcorp
Classification: Uncertain significance for Perlman syndrome. Last evaluated: 2022-08-23. Review status: criteria provided, single submitter. Criteria: Invitae Variant Classification Sherloc (09022015). Collection method: clinical testing. Allele origin: germline.
Comment: This sequence change creates a premature translational stop signal (p.Gln831*) in the DIS3L2 gene. While this is not anticipated to result in nonsense mediated decay, it is expected to disrupt the last 55 amino acid(s) of the DIS3L2 protein. This variant is not present in population databases (gnomAD no frequency). ClinVar contains an entry for this variant (Variation ID: 1427554). Experimental studies and prediction algorithms are not available or were not evaluated, and the functional significance of this variant is currently unknown. In summary, the available evidence is currently insufficient to determine the role of this variant in disease. Therefore, it has been classified as a Variant of Uncertain Significance. This variant has not been reported in the literature in individuals affected with DIS3L2-related conditions.